The following is an entry in ClinVar:

ClinVar aggregate classification (germline): Uncertain significance. Review status: criteria provided, multiple submitters, no conflicts (2 of 4 stars). 2 submissions from 2 submitters: Uncertain significance (2). Last evaluated 2024-05-15.

Conditions:
Lipoic acid synthetase deficiency. Also called: HYPERGLYCINEMIA, LACTIC ACIDOSIS, AND SEIZURES. Identifiers: Orphanet 401859, MedGen C3280887, MONDO:0013762, OMIM 614462.

Allele frequency attached by ClinVar (database versions not stated): gnomAD 0.00001; gnomAD exomes 0.00001 and 0.00004; ExAC 0.00002; TOPMed 0.00002.
gnomAD v4.1: 53 of 1,612,790 alleles (0.0033%); highest among the groups gnomAD compares: Non-Finnish European, 0.0045%; no homozygotes.

Submissions (2):

Blueprint Genetics
Classification: Uncertain significance. Last evaluated: 2024-05-15. Review status: criteria provided, single submitter. Criteria: ACMG Guidelines, 2015. Collection method: clinical testing. Allele origin: germline.

Labcorp Genetics (formerly Invitae), Labcorp
Classification: Uncertain significance for Lipoic acid synthetase deficiency. Last evaluated: 2022-07-17. Review status: criteria provided, single submitter. Criteria: Invitae Variant Classification Sherloc (09022015). Collection method: clinical testing. Allele origin: germline.
Comment: This sequence change replaces glutamic acid, which is acidic and polar, with aspartic acid, which is acidic and polar, at codon 116 of the LIAS protein (p.Glu116Asp). This variant is present in population databases (rs753615027, gnomAD 0.003%). This variant has not been reported in the literature in individuals affected with LIAS-related conditions. ClinVar contains an entry for this variant (Variation ID: 958190). Algorithms developed to predict the effect of missense changes on protein structure and function (SIFT, PolyPhen-2, Align-GVGD) all suggest that this variant is likely to be tolerated. In summary, the available evidence is currently insufficient to determine the role of this variant in disease. Therefore, it has been classified as a Variant of Uncertain Significance.

NM_006859.4(LIAS):c.348G>C (p.Glu116Asp)

Gene: LIAS (lipoic acid synthetase; plus strand). Cytogenetic location: 4p14.
Variant type: single nucleotide variant.
Coding change: c.348G>C on transcript NM_006859.4 (MANE Select); coding-DNA position 348, G replaced by C.
Protein change: p.Glu116Asp; replaces glutamic acid 116 with aspartic acid.
Molecular consequence: missense variant.
Genome position (GRCh38, 1-based): chr4:39,463,560, G>C. VCF-style: chr4-39463560-G-C. GRCh37 (hg19) VCF-style: chr4-39465180-G-C.
Other names: c.348G>C, p.Glu116Asp (NM_001278590.2, NM_001278591.2, NM_194451.3); c.254G>C, p.Ser85Thr (NM_001278592.2, NM_001363700.2); short protein forms E116D, S85T.
Identifiers: ClinVar variation 958190 (VCV000958190.6), dbSNP rs753615027, ClinGen allele CA2894647.
Genomic context (GRCh38, chr4:39,463,560, plus strand): 5'-GTGTTCCATTTCCTTTTGCATACAGGTATGTGAGGAAGCTCGATGTCCCAATATTGGAGA[G>C]TGTTGGGGAGGTGGAGAATATGCCACCGCCACAGCCACGATCATGGTAGGGCCAGCCTCA-3'
Protein context (NP_006850.2, residues 106-126): CEEARCPNIG[Glu116Asp]CWGGGEYATA